The following is an entry in ClinVar:

NC_000009.12:g.35658026_35658041dup

Gene: RMRP (RNA component of mitochondrial RNA processing endoribonuclease; minus strand). Cytogenetic location: 9p13.3.
Variant type: Duplication.
Genome position: GRCh38 VCF-style: chr9-35658025-T-TCAGCTTCACAGAGTAG. GRCh37 (hg19) VCF-style: chr9-35658022-T-TCAGCTTCACAGAGTAG.
Identifiers: ClinVar variation 4715187 (VCV004715187.1).
Genomic context (GRCh38, chr9:35,658,025, plus strand): 5'-GGAGGAACAGAGTCCTCAGTGTGTAGCCTAGGATACAGGCCTTCAGCACGAACCACGTCC[T>TCAGCTTCACAGAGTAG]CAGCTTCACAGAGTAGTATTTTATAGCCCTAAAGAAATTGTGTTTTATGATTAGGGTGAG-3'

ClinVar aggregate classification (germline): Pathogenic (1 of 4 stars; one submission).

Conditions:
Anauxetic dysplasia. Identifiers: Orphanet 93347, MedGen C1846796, MONDO:0011773.

Submission:

Labcorp Genetics (formerly Invitae), Labcorp
Classification: Pathogenic for Anauxetic dysplasia. Last evaluated: 2025-05-12. Review status: criteria provided, single submitter. Criteria: Invitae Variant Classification Sherloc (09022015). Collection method: clinical testing. Allele origin: germline.
Comment: This variant occurs in the RMRP gene, which encodes an RNA molecule that does not result in a protein product. This variant is not present in population databases (gnomAD no frequency). While this particular variant has not been reported in the literature, it is located in the promoter region between the TATA box and the transcription initiation site, and other insertions and duplications immediately upstream of the coding sequence have been reported in individuals affected with cartilage-hair hypoplasia-anauxetic dysplasia (CHH-AD) spectrum disorders (PMID: 16244706, 11207361, 12107819). While functional studies for this variant have not been reported, experimental analyses using patient derived cells, as well as in vitro transfection studies, have shown that promoter insertions result in silencing of RMRP transcription and reduced expression of the gene product (PMID: 11207361, 16254002). For these reasons, this variant has been classified as Pathogenic.

Literature cited by the submitters: PubMed 16244706; PubMed 11207361; PubMed 12107819; PubMed 16254002.